The following is an entry in ClinVar:

ClinVar aggregate classification (germline): Uncertain significance (1 of 4 stars; one submission).

Conditions:
Cardiovascular phenotype. Identifiers: MedGen CN230736.

Submission:

Ambry Genetics
Classification: Uncertain significance for Cardiovascular phenotype. Last evaluated: 2026-09-11. Review status: criteria provided, single submitter. Criteria: Ambry Variant Classification Scheme 2023. Collection method: clinical testing. Allele origin: germline.
Comment: The p.P1084H variant (also known as c.3251C>A), located in coding exon 15 of the DSG2 gene, results from a C to A substitution at nucleotide position 3251. The proline at codon 1084 is replaced by histidine, an amino acid with similar properties. This amino acid position is conserved. In addition, this alteration is predicted to be tolerated by in silico analysis. Based on the available evidence, the clinical significance of this variant remains unclear.

NM_001943.5(DSG2):c.3251C>A (p.Pro1084His)

Genes: DSG2 (desmoglein 2; plus strand), DSG2-AS1 (DSG2 antisense RNA 1; minus strand). Cytogenetic location: 18q12.1.
Variant type: single nucleotide variant.
Coding change: c.3251C>A on transcript NM_001943.5 (MANE Select); coding-DNA position 3251, C replaced by A.
Protein change: p.Pro1084His; replaces proline 1084 with histidine.
Molecular consequence: missense variant.
Genome position (GRCh38, 1-based): chr18:31,546,637, C>A. VCF-style: chr18-31546637-C-A. GRCh37 (hg19) VCF-style: chr18-29126600-C-A.
Other names: short protein forms P1084H.
Identifiers: ClinVar variation 4245043 (VCV004245043.2).